The following is an entry in ClinVar:

ClinVar aggregate classification (germline): Pathogenic. Review status: criteria provided, multiple submitters, no conflicts (2 of 4 stars). 3 submissions from 3 submitters: Pathogenic (3). Last evaluated 2026-02-09.

Conditions:
Hereditary cancer-predisposing syndrome. Also called: Tumor predisposition; Hereditary neoplastic syndrome; Neoplastic Syndromes, Hereditary; Hereditary Cancer Syndrome. Identifiers: Orphanet 140162, MedGen C0027672, MeSH D009386, MONDO:0015356.
Familial adenomatous polyposis 2. Also called: MYH-associated polyposis; COLORECTAL ADENOMATOUS POLYPOSIS, AUTOSOMAL RECESSIVE; ADENOMAS, MULTIPLE COLORECTAL, AUTOSOMAL RECESSIVE; MUTYH-related attenuated familial adenomatous polyposis; FAP type 2; Adenomas, multiple colorectal. Identifiers: Orphanet 220460, Orphanet 247798, MedGen C3272841, MONDO:0012041, OMIM 608456.

gnomAD v4.1: 1 of 1,614,170 alleles (0.000062%); no homozygotes.

Submissions (3):

Ambry Genetics
Classification: Pathogenic for Hereditary cancer-predisposing syndrome. Last evaluated: 2026-02-09. Review status: criteria provided, single submitter. Criteria: Ambry Variant Classification Scheme 2023. Collection method: clinical testing. Allele origin: germline.
Comment: The p.Y148* pathogenic mutation (also known as c.444C>G), located in coding exon 5 of the MUTYH gene, results from a C to G substitution at nucleotide position 444. This changes the amino acid from a tyrosine to a stop codon within coding exon 5. This variant is considered to be rare based on population cohorts in the Genome Aggregation Database (gnomAD). This alteration is expected to result in loss of function by premature protein truncation or nonsense-mediated mRNA decay. As such, this alteration is interpreted as a disease-causing mutation.

Labcorp Genetics (formerly Invitae), Labcorp
Classification: Pathogenic for Familial adenomatous polyposis 2. Last evaluated: 2025-11-10. Review status: criteria provided, single submitter. Criteria: Invitae Variant Classification Sherloc (09022015). Collection method: clinical testing. Allele origin: germline.
Comment: This sequence change creates a premature translational stop signal (p.Tyr148*) in the MUTYH gene. It is expected to result in an absent or disrupted protein product. Loss-of-function variants in MUTYH are known to be pathogenic (PMID: 18534194, 20663686). This variant is not present in population databases (gnomAD no frequency). This variant has not been reported in the literature in individuals affected with MUTYH-related conditions. ClinVar contains an entry for this variant (Variation ID: 824899). Algorithms developed to predict the effect of sequence changes on RNA splicing suggest that this variant may disrupt the consensus splice site. For these reasons, this variant has been classified as Pathogenic.

CeGaT Center for Human Genetics Tuebingen
Classification: Pathogenic. Last evaluated: 2025-06-01. Review status: criteria provided, single submitter. Criteria: CeGaT Center For Human Genetics Tuebingen Variant Classification Criteria Version 2. Collection method: clinical testing. Allele origin: germline. Affected: yes. Observed: 1 variant allele.
Comment: MUTYH: PVS1, PM2

Literature cited by the submitters: PubMed 18534194 (cited by Labcorp Genetics (formerly Invitae), Labcorp); PubMed 20663686 (cited by Labcorp Genetics (formerly Invitae), Labcorp).

NM_001048174.2(MUTYH):c.360C>G (p.Tyr120Ter)

Gene: MUTYH (mutY DNA glycosylase; minus strand). Cytogenetic location: 1p34.1.
Variant type: single nucleotide variant.
Coding change: c.360C>G on transcript NM_001048174.2 (MANE Select); coding-DNA position 360, C replaced by G.
Protein change: p.Tyr120Ter; replaces tyrosine 120 with a stop codon.
Molecular consequence: nonsense. On other transcripts: non-coding transcript variant (1), intron variant (2).
Genome position (GRCh38, 1-based): chr1:45,333,115, G>C on the plus strand (C>G on the coding strand, the complement: MUTYH is on the minus strand). VCF-style: chr1-45333115-G-C. GRCh37 (hg19) VCF-style: chr1-45798787-G-C.
Other names: c.360C>G, p.Tyr120Ter (NM_001048171.2, NM_001048173.2, NM_001293195.2); c.363C>G, p.Tyr121Ter (NM_001048172.2); c.444C>G, p.Tyr148Ter (NM_001128425.2); c.405C>G, p.Tyr135Ter (NM_001293190.2); c.393C>G, p.Tyr131Ter (NM_001293191.2); c.84C>G, p.Tyr28Ter (NM_001293192.2, NM_001293196.2); c.435C>G, p.Tyr145Ter (NM_012222.3); c.34-156C>G (NM_001350651.2, NM_001350650.2); short protein forms Y135*, Y120*, Y148*, Y28*, Y121*, Y131*, Y145*.
Identifiers: ClinVar variation 824899 (VCV000824899.16), dbSNP rs1570433022, ClinGen allele CA340136101.